The following is an entry in ClinVar:

NM_001927.4(DES):c.1238A>G (p.Glu413Gly)

Gene: DES (desmin; plus strand). Cytogenetic location: 2q35.
Variant type: single nucleotide variant.
Coding change: c.1238A>G on transcript NM_001927.4 (MANE Select); coding-DNA position 1238, A replaced by G.
Protein change: p.Glu413Gly; replaces glutamic acid 413 with glycine.
Molecular consequence: missense variant.
Genome position (GRCh38, 1-based): chr2:219,421,554, A>G. VCF-style: chr2-219421554-A-G. GRCh37 (hg19) VCF-style: chr2-220286276-A-G.
Other names: c.1235A>G, p.Glu412Gly (NM_001382708.1); c.806A>G, p.Glu269Gly (NM_001382709.1); c.1169A>G, p.Glu390Gly (NM_001382710.1); c.1217A>G, p.Glu406Gly (NM_001382711.1); c.1238A>G, p.Glu413Gly (NM_001382712.1); c.968A>G, p.Glu323Gly (NM_001382713.1); short protein forms E323G, E390G, E269G, E406G, E412G, E413G.
Identifiers: ClinVar variation 956285 (VCV000956285.10), dbSNP rs1954445270, ClinGen allele CA350695106.
Genomic context (GRCh38, chr2:219,421,554, plus strand): 5'-ACGTGAAGATGGCCCTGGATGTGGAGATTGCCACCTACCGGAAGCTGCTGGAGGGAGAGG[A>G]GAGCCGGTGAGGGGCCAGGCAGGAGCCCGAGTGGGAGGTGCGGGGTGCTGGGTGGTCCAT-3'
Protein context (NP_001918.3, residues 403-423): ATYRKLLEGE[Glu413Gly]SRINLPIQTY

ClinVar aggregate classification (germline): Uncertain significance (1 of 4 stars; one submission).

Conditions:
Desmin-related myofibrillar myopathy (MFM1). Also called: Desminopathy; Desmin related myopathy (former name); Desmin storage myopathy (former name); MYOFIBRILLAR MYOPATHY WITH ARRHYTHMOGENIC RIGHT VENTRICULAR CARDIOMYOPATHY; DESMIN-RELATED MYOPATHY WITH ARRHYTHMOGENIC RIGHT VENTRICULAR CARDIOMYOPATHY; Myofibrillar myopathy 1. Identifiers: Orphanet 363543, Orphanet 98909, MedGen C1832370, MONDO:0011076, OMIM 601419.

Submission:

Labcorp Genetics (formerly Invitae), Labcorp
Classification: Uncertain significance for Desmin-related myofibrillar myopathy. Last evaluated: 2019-10-22. Review status: criteria provided, single submitter. Criteria: Invitae Variant Classification Sherloc (09022015). Collection method: clinical testing. Allele origin: germline.
Comment: This sequence change replaces glutamic acid with glycine at codon 413 of the DES protein (p.Glu413Gly). The glutamic acid residue is highly conserved and there is a moderate physicochemical difference between glutamic acid and glycine. This variant is not present in population databases (ExAC no frequency). This variant has not been reported in the literature in individuals with DES-related conditions. Algorithms developed to predict the effect of missense changes on protein structure and function are either unavailable or do not agree on the potential impact of this missense change (SIFT: "Tolerated"; PolyPhen-2: "Possibly Damaging"; Align-GVGD: "Class C15"). This variant disrupts the p.Glu413 amino acid residue in DES. Other variant(s) that disrupt this residue have been determined to be pathogenic (PMID: 16890305, 16890305, 17221859, 20448486, 21262226, 23425003, 26789769). This suggests that this residue is clinically significant, and that variants that disrupt this residue are likely to be disease-causing. In summary, the available evidence is currently insufficient to determine the role of this variant in disease. Therefore, it has been classified as a Variant of Uncertain Significance.

Literature cited by the submitters: PubMed 16890305; PubMed 17221859; PubMed 20448486; PubMed 21262226; PubMed 23425003; PubMed 26789769.